The following is an entry in ClinVar:

NM_000179.3(MSH6):c.3240G>T (p.Leu1080=)

Gene: MSH6 (mutS homolog 6; plus strand). Cytogenetic location: 2p16.3.
Variant type: single nucleotide variant.
Coding change: c.3240G>T on transcript NM_000179.3 (MANE Select); coding-DNA position 3240, G replaced by T.
Protein change: p.Leu1080=; no amino-acid change (leucine 1080 retained).
Molecular consequence: synonymous variant.
Genome position (GRCh38, 1-based): chr2:47,803,487, G>T. VCF-style: chr2-47803487-G-T. GRCh37 (hg19) VCF-style: chr2-48030626-G-T.
Other names: c.2850G>T, p.Leu950= (NM_001281492.2); c.2334G>T, p.Leu778= (NM_001281493.2, NM_001281494.2).
Identifiers: ClinVar variation 766536 (VCV000766536.14), dbSNP rs1114167739, ClinGen allele CA426121827.

ClinVar aggregate classification (germline): Benign/Likely benign. Review status: criteria provided, multiple submitters, no conflicts (2 of 4 stars). 3 submissions from 3 submitters: Benign (1); Likely benign (2). Last evaluated 2025-01-03.

Conditions:
Lynch syndrome 5 (LYNCH5). Also called: Colorectal cancer, hereditary nonpolyposis, type 5; Hereditary non-polyposis colorectal cancer, type 5. Identifiers: Orphanet 144, MedGen C1833477, MONDO:0013710, OMIM 614350. Disease mechanism: loss of function.
Hereditary nonpolyposis colorectal neoplasms. Identifiers: MedGen C0009405, MeSH D003123.
Hereditary cancer-predisposing syndrome. Also called: Tumor predisposition; Neoplastic Syndromes, Hereditary; Hereditary Cancer Syndrome; Hereditary neoplastic syndrome. Identifiers: Orphanet 140162, MedGen C0027672, MeSH D009386, MONDO:0015356.

Allele frequency attached by ClinVar (database versions not stated): TOPMed below 0.00001; gnomAD 0.00001.
gnomAD v4.1: 2 of 1,613,914 alleles (0.00012%); highest among the groups gnomAD compares: African/African-American, 0.0027%; no homozygotes.

Submissions (3):

Myriad Genetics, Inc.
Classification: Benign for Lynch syndrome 5. Last evaluated: 2025-01-03. Review status: criteria provided, single submitter. Criteria: Myriad Autosomal Dominant, Autosomal Recessive and X-Linked Classification Criteria (2023). Collection method: clinical testing. Allele origin: unknown.
Comment: This variant is considered benign. This variant is a silent/synonymous amino acid change and it is not expected to impact splicing.

Ambry Genetics
Classification: Likely benign for Hereditary cancer-predisposing syndrome. Last evaluated: 2019-05-31. Review status: criteria provided, single submitter. Criteria: Ambry Variant Classification Scheme 2023. Collection method: clinical testing. Allele origin: germline.

Labcorp Genetics (formerly Invitae), Labcorp
Classification: Likely benign for Hereditary nonpolyposis colorectal neoplasms. Last evaluated: 2018-08-26. Review status: criteria provided, single submitter. Criteria: Invitae Variant Classification Sherloc (09022015). Collection method: clinical testing. Allele origin: germline.